The following is an entry in ClinVar:

ClinVar aggregate classification (germline): Uncertain significance (1 of 4 stars; one submission).

Conditions:
Congenital myasthenic syndrome 4A. Also called: MYASTHENIC SYNDROME, CONGENITAL, 4A, SLOW-CHANNEL, AUTOSOMAL RECESSIVE; Myasthenic syndrome, congenital, 4a, slow-channel; CONGENITAL MYASTHENIC SYNDROME TYPE Ia1. Identifiers: Orphanet 590, MedGen C4225413, MONDO:0011600, OMIM 605809.

Allele frequency attached by ClinVar (database versions not stated): gnomAD exomes 0.00001.

Submission:

Labcorp Genetics (formerly Invitae), Labcorp
Classification: Uncertain significance for Congenital myasthenic syndrome 4A. Last evaluated: 2023-07-06. Review status: criteria provided, single submitter. Criteria: Invitae Variant Classification Sherloc (09022015). Collection method: clinical testing. Allele origin: germline.
Comment: This sequence change replaces proline, which is neutral and non-polar, with serine, which is neutral and polar, at codon 41 of the CHRNE protein (p.Pro41Ser). This variant is not present in population databases (gnomAD no frequency). This variant has not been reported in the literature in individuals affected with CHRNE-related conditions. Advanced modeling of protein sequence and biophysical properties (such as structural, functional, and spatial information, amino acid conservation, physicochemical variation, residue mobility, and thermodynamic stability) performed at Invitae indicates that this missense variant is expected to disrupt CHRNE protein function. In summary, the available evidence is currently insufficient to determine the role of this variant in disease. Therefore, it has been classified as a Variant of Uncertain Significance.

NM_000080.4(CHRNE):c.121C>T (p.Pro41Ser)

Genes: C17orf107 (chromosome 17 open reading frame 107; plus strand), CHRNE (cholinergic receptor nicotinic epsilon subunit; minus strand). Cytogenetic location: 17p13.2.
Variant type: single nucleotide variant.
Coding change: c.121C>T on transcript NM_000080.4 (MANE Select); coding-DNA position 121, C replaced by T.
Protein change: p.Pro41Ser; replaces proline 41 with serine.
Molecular consequence: missense variant. On other transcripts: 3 prime UTR variant (1).
Genome position (GRCh38, 1-based): chr17:4,902,689, G>A on the plus strand (C>T on the coding strand, the complement: CHRNE is on the minus strand). VCF-style: chr17-4902689-G-A. GRCh37 (hg19) VCF-style: chr17-4805984-G-A.
Other names: c.*2156G>A (NM_001145536.2); short protein forms P41S.
Identifiers: ClinVar variation 2738400 (VCV002738400.3), dbSNP rs2507563560, ClinGen allele CA397307822.